The following is an entry in ClinVar:

NM_001124758.3(SPNS2):c.71G>A (p.Arg24Gln)

Genes: SPNS2 (SPNS lysolipid transporter 2, sphingosine-1-phosphate; plus strand), SPNS2-AS1 (SPNS2 antisense RNA 1; minus strand). Cytogenetic location: 17p13.2.
Variant type: single nucleotide variant.
Coding change: c.71G>A on transcript NM_001124758.3 (MANE Select); coding-DNA position 71, G replaced by A.
Protein change: p.Arg24Gln; replaces arginine 24 with glutamine.
Molecular consequence: missense variant.
Genome position (GRCh38, 1-based): chr17:4,499,118, G>A. VCF-style: chr17-4499118-G-A. GRCh37 (hg19) VCF-style: chr17-4402413-G-A.
Other names: short protein forms R24Q.
Identifiers: ClinVar variation 4990767 (VCV004990767.1).
Genomic context (GRCh38, chr17:4,499,118, plus strand): 5'-TGGAATGCGCCTCGGCGGCGGCGGGCGGCGCGGAGGAGGAGGAGGCGGACGCGGAGCGGC[G>A]GCGCCGGCGCCGGGGGGCGCAGCGAGGGGCTGGCGGTAGCGGTTGCTGCGGGGCGCGGGG-3'
Protein context (NP_001118230.1, residues 14-34): AEEEEADAER[Arg24Gln]RRRRGAQRGA

ClinVar aggregate classification (germline): Uncertain significance (1 of 4 stars; one submission).

Conditions:
SPNS2-related disorder. Also called: SPNS2-related condition.

Submission:

PreventionGenetics, part of Exact Sciences
Classification: Uncertain significance for SPNS2-related condition. Last evaluated: 2025-12-03. Review status: criteria provided, single submitter. Criteria: ACMG Guidelines, 2015. Collection method: clinical testing. Allele origin: germline.
Comment: The SPNS2 c.71G>A variant is predicted to result in the amino acid substitution p.Arg24Gln. To our knowledge, this variant has not been reported in the literature or in a large population database (gnomAD), indicating this variant is rare. At this time, the clinical significance of this variant is uncertain due to the absence of conclusive functional and genetic evidence.